The following is an entry in ClinVar:

NM_000168.6(GLI3):c.2598del (p.Ile867fs)

Gene: GLI3 (GLI family zinc finger 3; minus strand). Cytogenetic location: 7p14.1.
Variant type: Deletion.
Coding change: c.2598del on transcript NM_000168.6 (MANE Select); coding-DNA position 2598, one base deleted (G; older notation c.2598delG).
Protein change: p.Ile867fs; shifts the reading frame from isoleucine 867.
Molecular consequence: frameshift variant.
Genome position (GRCh38, 1-based): chr7:41,966,475, C deleted on the plus strand (G on the coding strand, the reverse complement: GLI3 is on the minus strand); the first of 3 consecutive C bases (chr7:41,966,475-41,966,477); deleting any one gives the same sequence. VCF-style (leftmost placement, unchanged base first): chr7-41966474-TC-T. GRCh37 (hg19) VCF-style: chr7-42006072-TC-T.
Other names: short protein forms I867fs.
Identifiers: ClinVar variation 1320134 (VCV001320134.1), dbSNP rs2128706315, ClinGen allele CA2573052874.
Genomic context (GRCh38, chr7:41,966,474, plus strand): 5'-GCGGCCGGCCCTCGGCCTGTGACGCCTCGCTGGAGCGGCGGCTGGAGAAGCAGGGCGAGA[TC>T]CCTGAGGAGCGGCGGCTGCTCAGGTAGGCCGAGCTGATGGTGCTGGCGCTGCTGTCCCTT-3'

ClinVar aggregate classification (germline): Pathogenic (1 of 4 stars; one submission).

Conditions:
Pallister-Hall syndrome (PHS). Also called: GLI3-Related Pallister-Hall Syndrome; HYPOTHALAMIC HAMARTOBLASTOMA, HYPOPITUITARISM, IMPERFORATE ANUS, AND POSTAXIAL POLYDACTYLY. Identifiers: Orphanet 672, MedGen C0265220, MONDO:0007804, OMIM 146510.

Submission:

3billion
Classification: Pathogenic for Pallister-Hall syndrome. Last evaluated: 2021-10-02. Review status: criteria provided, single submitter. Criteria: ACMG Guidelines, 2015. Collection method: clinical testing. Allele origin: germline. Affected: yes. Observed: 1 heterozygote.
Comment: Frameshift: predicted to result in a loss or disruption of normal protein function through nonsense-mediated decay (NMD) or protein truncation. Multiple pathogenic variants are reported downstream of the variant (PVS1_VS). The variant was observed as assumed (i.e. paternity and maternity not confirmed) de novoo (3billion dataset, PM6). It is not observed in the gnomAD v2.1.1 dataset (PM2). Therefore, this variant is classified as pathogenic according to the recommendation of ACMG/AMP guideline.